The following is an entry in ClinVar:

NM_005506.4(SCARB2):c.390T>C (p.Ile130=)

Gene: SCARB2 (scavenger receptor class B member 2; minus strand). Cytogenetic location: 4q21.1.
Variant type: single nucleotide variant.
Coding change: c.390T>C on transcript NM_005506.4 (MANE Select); coding-DNA position 390, T replaced by C.
Protein change: p.Ile130=; no amino-acid change (isoleucine 130 retained).
Molecular consequence: synonymous variant. On other transcripts: intron variant (1).
Genome position (GRCh38, 1-based): chr4:76,180,987, A>G on the plus strand (T>C on the coding strand, the complement: SCARB2 is on the minus strand). VCF-style: chr4-76180987-A-G. GRCh37 (hg19) VCF-style: chr4-77102140-A-G.
Other names: c.276-5077T>C (NM_001204255.2).
Identifiers: ClinVar variation 1708676 (VCV001708676.5), dbSNP rs757930862, ClinGen allele CA2970345.

ClinVar aggregate classification (germline): Conflicting classifications of pathogenicity. Review status: criteria provided, conflicting classifications (1 of 4 stars). 2 submissions from 2 submitters: Uncertain significance (1); Likely benign (1). Last evaluated 2024-02-03.

Conditions:
Progressive myoclonic epilepsy. Also called: Familial progressive myoclonic epilepsy; Myoclonic Epilepsies, Progressive; Progressive myoclonus epilepsy; Myoclonus epilepsy. Identifiers: Orphanet 308, Orphanet 98261, MedGen C0751778, MONDO:0020074.

Allele frequency attached by ClinVar (database versions not stated): TOPMed 0.00001; ExAC 0.00002.
gnomAD v4.1: 5 of 1,613,070 alleles (0.00031%); highest among the groups gnomAD compares: Admixed American, 0.0067%; no homozygotes.

Submissions (2):

Labcorp Genetics (formerly Invitae), Labcorp
Classification: Likely benign for Progressive myoclonic epilepsy. Last evaluated: 2024-02-03. Review status: criteria provided, single submitter. Criteria: Invitae Variant Classification Sherloc (09022015). Collection method: clinical testing. Allele origin: germline.

GeneDx
Classification: Uncertain significance. Last evaluated: 2022-04-06. Review status: criteria provided, single submitter. Criteria: GeneDx Variant Classification Process June 2021. Collection method: clinical testing. Allele origin: germline. Affected: yes.
Comment: Not observed at significant frequency in large population cohorts (gnomAD); In silico analysis supports that this variant does not alter splicing; Has not been previously published as pathogenic or benign to our knowledge